The following is an entry in ClinVar:

NM_001844.5(COL2A1):c.3724G>A (p.Asp1242Asn)

Gene: COL2A1 (collagen type II alpha 1 chain; minus strand). Cytogenetic location: 12q13.11.
Variant type: single nucleotide variant.
Coding change: c.3724G>A on transcript NM_001844.5 (MANE Select); coding-DNA position 3724, G replaced by A.
Protein change: p.Asp1242Asn; replaces aspartic acid 1242 with asparagine.
Molecular consequence: missense variant.
Genome position (GRCh38, 1-based): chr12:47,975,479, C>T on the plus strand (G>A on the coding strand, the complement: COL2A1 is on the minus strand). VCF-style: chr12-47975479-C-T. GRCh37 (hg19) VCF-style: chr12-48369262-C-T.
Other names: c.3517G>A, p.Asp1173Asn (NM_033150.3); c.3724G>A (NM_001844.4); short protein forms D1173N, D1242N.
Identifiers: ClinVar variation 1919638 (VCV001919638.6), dbSNP rs905184041, ClinGen allele CA236517158.

ClinVar aggregate classification (germline): Uncertain significance. Review status: criteria provided, multiple submitters, no conflicts (2 of 4 stars). 2 submissions from 2 submitters: Uncertain significance (2). Last evaluated 2026-03-26.

Conditions:
Inborn genetic diseases. Identifiers: MedGen C0950123, MeSH D030342.

Allele frequency attached by ClinVar (database versions not stated): gnomAD exomes below 0.00001; TOPMed 0.00001.

Submissions (2):

Ambry Genetics
Classification: Uncertain significance for Inborn genetic diseases. Last evaluated: 2026-03-26. Review status: criteria provided, single submitter. Criteria: Ambry Variant Classification Scheme 2023. Collection method: clinical testing. Allele origin: germline.

Labcorp Genetics (formerly Invitae), Labcorp
Classification: Uncertain significance. Last evaluated: 2024-01-05. Review status: criteria provided, single submitter. Criteria: Invitae Variant Classification Sherloc (09022015). Collection method: clinical testing. Allele origin: germline.
Comment: This sequence change replaces aspartic acid, which is acidic and polar, with asparagine, which is neutral and polar, at codon 1242 of the COL2A1 protein (p.Asp1242Asn). This variant is not present in population databases (gnomAD no frequency). This variant has not been reported in the literature in individuals affected with COL2A1-related conditions. ClinVar contains an entry for this variant (Variation ID: 1919638). Advanced modeling of protein sequence and biophysical properties (such as structural, functional, and spatial information, amino acid conservation, physicochemical variation, residue mobility, and thermodynamic stability) has been performed at Invitae for this missense variant, however the output from this modeling did not meet the statistical confidence thresholds required to predict the impact of this variant on COL2A1 protein function. In summary, the available evidence is currently insufficient to determine the role of this variant in disease. Therefore, it has been classified as a Variant of Uncertain Significance.